The following is an entry in ClinVar:

ClinVar aggregate classification (germline): Pathogenic (0 of 4 stars; one submission).

Conditions:
Fanconi anemia complementation group A (FANCA). Also called: Fanconi anemia, group A; FANCA-Related Fanconi Anemia. Identifiers: Orphanet 84, MedGen C3469521, MONDO:0009215, OMIM 227650.

Submission:

Leiden Open Variation Database
Classification: Pathogenic for Fanconi anemia complementation group A. Last evaluated: 2020-02-28. Review status: no assertion criteria provided. Collection method: curation. Allele origin: germline. Affected: yes.
Comment: Curator: Arleen D. Auerbach. Submitter to LOVD: Arleen D. Auerbach.

Literature cited by the submitters: PubMed 10521298.

NC_000016.10:g.(89749903_89752137)_(89792548_89795905)del

Gene: FANCA (FA complementation group A; minus strand). Cytogenetic location: 16q24.3.
Variant type: Deletion.
Identifiers: ClinVar variation 974309 (VCV000974309.1).